The following is an entry in ClinVar:

ClinVar aggregate classification (germline): Conflicting classifications of pathogenicity. Review status: criteria provided, conflicting classifications (1 of 4 stars). 10 submissions from 10 submitters: Uncertain significance (1); Benign (1); Likely benign (8). Last evaluated 2025-10-05.

Conditions:
Tuberous sclerosis syndrome (TSC). Also called: Tuberous Sclerosis Complex; Tuberous sclerosis. Identifiers: Orphanet 805, MedGen C0041341, MONDO:0001734.
Hereditary cancer-predisposing syndrome. Also called: Tumor predisposition; Hereditary Cancer Syndrome; Neoplastic Syndromes, Hereditary; Hereditary neoplastic syndrome. Identifiers: Orphanet 140162, MedGen C0027672, MeSH D009386, MONDO:0015356.
Tuberous sclerosis 1 (TSC1). Identifiers: Orphanet 805, MedGen C1854465, MONDO:0008612, OMIM 191100.
Lymphangiomyomatosis (LAM). Also called: Lymphangioleiomyomatosis; Lymphangioleiomyomatosis, somatic. Identifiers: Orphanet 538, MedGen C0751674, MONDO:0011705, OMIM 606690.
Isolated focal cortical dysplasia type II (FCORD2). Also called: CORTICAL DYSPLASIA OF TAYLOR; Focal cortical dysplasia type II. Identifiers: Orphanet 268994, MedGen C1846385, MONDO:0011818, OMIM 607341, HP:0032051.

Allele frequency attached by ClinVar (database versions not stated): TOPMed 0.00002; ESP Exome Variant Server 0.00008; gnomAD 0.00001 and 0.00002.
gnomAD v4.1: 41 of 1,613,910 alleles (0.0025%); highest among the groups gnomAD compares: Middle Eastern, 0.016%; no homozygotes.

Submissions (10):

Labcorp Genetics (formerly Invitae), Labcorp
Classification: Likely benign for Tuberous sclerosis 1. Last evaluated: 2025-10-05. Review status: criteria provided, single submitter. Criteria: Invitae Variant Classification Sherloc (09022015). Collection method: clinical testing. Allele origin: germline.

Color Diagnostics, LLC DBA Color Health
Classification: Likely benign for Tuberous sclerosis syndrome. Last evaluated: 2025-06-30. Review status: criteria provided, single submitter. Criteria: ACMG Guidelines, 2015. Collection method: clinical testing. Allele origin: germline.

Myriad Genetics, Inc.
Classification: Benign for Tuberous sclerosis 1. Last evaluated: 2025-04-09. Review status: criteria provided, single submitter. Criteria: Myriad Autosomal Dominant, Autosomal Recessive and X-Linked Classification Criteria (2023). Collection method: clinical testing. Allele origin: unknown.
Comment: This variant is considered benign. This variant is a silent/synonymous amino acid change and it is not expected to impact splicing.

All of Us Research Program, National Institutes of Health
Classification: Uncertain significance for Tuberous sclerosis syndrome. Last evaluated: 2023-09-17. Review status: criteria provided, single submitter. Criteria: ACMG Guidelines, 2015. Collection method: clinical testing. Allele origin: germline. Inheritance: Autosomal dominant inheritance. Observed: 2 variant alleles, 2 heterozygotes.
Comment: This variant is located in the TSC1 protein. To our knowledge, functional studies have not been reported for this variant. This variant has not been reported in individuals affected with TSC1-related disorders in the literature. This variant has been identified in 4/251100 chromosomes in the general population by the Genome Aggregation Database (gnomAD). The available evidence is insufficient to determine the role of this variant in disease conclusively. Therefore, this variant is classified as a Variant of Uncertain Significance.

This study involves interpretation of variants in research participants for the purpose of population health screening. Participant phenotype was not available at the time of variant classification. Additional details can be found in publication PMID: 35346344, PMCID: PMC8962531

KCCC/NGS Laboratory, Kuwait Cancer Control Center
Classification: Likely benign for Tuberous sclerosis 1. Last evaluated: 2023-07-07. Review status: criteria provided, single submitter. Criteria: ACMG Guidelines, 2015. Collection method: clinical testing. Allele origin: germline. Affected: yes.

CeGaT Center for Human Genetics Tuebingen
Classification: Likely benign. Last evaluated: 2023-02-01. Review status: criteria provided, single submitter. Criteria: CeGaT Center For Human Genetics Tuebingen Variant Classification Criteria Version 2. Collection method: clinical testing. Allele origin: germline. Affected: yes. Observed: 1 variant allele.
Comment: TSC1: BP4

Genome-Nilou Lab
Classification: Likely benign for Tuberous sclerosis 1. Last evaluated: 2021-11-07. Review status: criteria provided, single submitter. Criteria: ACMG Guidelines, 2015. Collection method: clinical testing. Allele origin: germline. Affected: no.

Fulgent Genetics
Classification: Likely benign for Tuberous sclerosis 1; Lymphangiomyomatosis; Isolated focal cortical dysplasia type II. Last evaluated: 2021-09-09. Review status: criteria provided, single submitter. Criteria: ACMG Guidelines, 2015. Collection method: clinical testing. Allele origin: unknown.

GeneDx
Classification: Likely benign. Last evaluated: 2018-03-01. Review status: criteria provided, single submitter. Criteria: GeneDx Variant Classification (06012015). Collection method: clinical testing. Allele origin: germline. Affected: yes.
Comment: This variant is considered likely benign or benign based on one or more of the following criteria: it is a conservative change, it occurs at a poorly conserved position in the protein, it is predicted to be benign by multiple in silico algorithms, and/or has population frequency not consistent with disease.

Ambry Genetics
Classification: Likely benign for Hereditary cancer-predisposing syndrome. Last evaluated: 2016-04-28. Review status: criteria provided, single submitter. Criteria: Ambry Variant Classification Scheme 2023. Collection method: clinical testing. Allele origin: germline.

NM_000368.5(TSC1):c.1257C>G (p.Pro419=)

Gene: TSC1 (TSC complex subunit 1; minus strand). Cytogenetic location: 9q34.13.
Variant type: single nucleotide variant.
Coding change: c.1257C>G on transcript NM_000368.5 (MANE Select); coding-DNA position 1257, C replaced by G.
Protein change: p.Pro419=; no amino-acid change (proline 419 retained).
Molecular consequence: synonymous variant.
Genome position (GRCh38, 1-based): chr9:132,910,577, G>C on the plus strand (C>G on the coding strand, the complement: TSC1 is on the minus strand). VCF-style: chr9-132910577-G-C. GRCh37 (hg19) VCF-style: chr9-135785964-G-C.
Other names: c.1254C>G, p.Pro418= (NM_001162426.2); c.1104C>G, p.Pro368= (NM_001162427.2); c.894C>G, p.Pro298= (NM_001362177.2).
Identifiers: ClinVar variation 237698 (VCV000237698.45), dbSNP rs369642207, ClinGen allele CA027496.
Genomic context (GRCh38, chr9:132,910,577, plus strand): 5'-TGCAAGTGAGTCACTGTGCCTGGGCAGAGGGATAGCAGACGAGCTGGATCGCACCTTCCT[G>C]GGGGGTGTGACTGTGGCCTGGGGGAGTGAAATGTGCACGTAGTCATCCGAATGACAGAGT-3'
Protein context (NP_000359.1, residues 409-429): ISLPQATVTP[Pro419=]RKEERMDSAR